The following is an entry in ClinVar:

ClinVar aggregate classification (germline): Uncertain significance (1 of 4 stars; one submission).

Conditions:
Hereditary cancer-predisposing syndrome. Also called: Neoplastic Syndromes, Hereditary; Tumor predisposition; Hereditary neoplastic syndrome; Hereditary Cancer Syndrome. Identifiers: Orphanet 140162, MedGen C0027672, MeSH D009386, MONDO:0015356.

Submission:

Ambry Genetics
Classification: Uncertain significance for Hereditary cancer-predisposing syndrome. Last evaluated: 2024-06-14. Review status: criteria provided, single submitter. Criteria: Ambry Variant Classification Scheme 2023. Collection method: clinical testing. Allele origin: germline.
Comment: The p.T346A variant (also known as c.1036A>G), located in coding exon 9 of the POT1 gene, results from an A to G substitution at nucleotide position 1036. The threonine at codon 346 is replaced by alanine, an amino acid with similar properties. This amino acid position is conserved. In addition, the in silico prediction for this alteration is inconclusive. Based on the available evidence, the clinical significance of this variant remains unclear.

NM_015450.3(POT1):c.1036A>G (p.Thr346Ala)

Gene: POT1 (protection of telomeres 1; minus strand). Cytogenetic location: 7q31.33.
Variant type: single nucleotide variant.
Coding change: c.1036A>G on transcript NM_015450.3 (MANE Select); coding-DNA position 1036, A replaced by G.
Protein change: p.Thr346Ala; replaces threonine 346 with alanine.
Molecular consequence: missense variant. On other transcripts: non-coding transcript variant (3).
Genome position (GRCh38, 1-based): chr7:124,842,934, T>C on the plus strand (A>G on the coding strand, the complement: POT1 is on the minus strand). VCF-style: chr7-124842934-T-C. GRCh37 (hg19) VCF-style: chr7-124482988-T-C.
Other names: c.643A>G, p.Thr215Ala (NM_001042594.2); short protein forms T215A, T346A.
Identifiers: ClinVar variation 3308986 (VCV003308986.1).